The following is an entry in ClinVar:

NM_014363.6(SACS):c.6448_6452del (p.Gln2150fs)

Gene: SACS (sacsin molecular chaperone; minus strand). Cytogenetic location: 13q12.12.
Variant type: Deletion.
Coding change: c.6448_6452del on transcript NM_014363.6 (MANE Select); coding-DNA positions 6448 to 6452, 5 bases deleted (CAGTT; older notation c.6448_6452delCAGTT).
Protein change: p.Gln2150fs; shifts the reading frame from glutamine 2150.
Molecular consequence: frameshift variant.
Genome position (GRCh38, 1-based): chr13:23,337,424-23,337,428, AACTG deleted on the plus strand (CAGTT on the coding strand, the reverse complement: SACS is on the minus strand); deleting any 5 consecutive bases within chr13:23,337,424-23,337,432 gives the same sequence; the c. name uses the placement nearest the transcript's 3' end. VCF-style (leftmost placement, unchanged base first): chr13-23337423-TAACTG-T. GRCh37 (hg19) VCF-style: chr13-23911562-TAACTG-T.
Other names: c.6007_6011del, p.Gln2003fs (NM_001278055.2); short protein forms Q2150fs, Q2003fs.
Identifiers: ClinVar variation 370621 (VCV000370621.10), dbSNP rs1057516635, ClinGen allele CA16041626.

ClinVar aggregate classification (germline): Pathogenic. Review status: criteria provided, single submitter (1 of 4 stars). 2 submissions from 2 submitters: Pathogenic (1). 1 of the submissions does not count toward it. Last evaluated 2021-12-29.

Conditions:
Charlevoix-Saguenay spastic ataxia (SACS). Also called: AUTOSOMAL RECESSIVE SPASTIC ATAXIA OF CHARLEVOIX-SAGUENAY; SPASTIC ATAXIA 6, AUTOSOMAL RECESSIVE; Spastic ataxia of Charlevoix-Saguenay. Identifiers: Orphanet 98, MedGen C1849140, MONDO:0010041, OMIM 270550.
Spastic paraplegia. Identifiers: MedGen C0037772, HP:0001258.

Submissions (2):

Labcorp Genetics (formerly Invitae), Labcorp
Classification: Pathogenic for Spastic paraplegia. Last evaluated: 2021-12-29. Review status: criteria provided, single submitter. Criteria: Invitae Variant Classification Sherloc (09022015). Collection method: clinical testing. Allele origin: germline.
Comment: This sequence change creates a premature translational stop signal (p.Gln2150Argfs*6) in the SACS gene. While this is not anticipated to result in nonsense mediated decay, it is expected to disrupt the last 2430 amino acid(s) of the SACS protein. This variant is present in population databases (no rsID available, gnomAD 0.0009%). This variant has not been reported in the literature in individuals affected with SACS-related conditions. ClinVar contains an entry for this variant (Variation ID: 370621). This variant disrupts a region of the SACS protein in which other variant(s) (p.Arg3903*) have been determined to be pathogenic (PMID: 19892370, 21745802). This suggests that this is a clinically significant region of the protein, and that variants that disrupt it are likely to be disease-causing. For these reasons, this variant has been classified as Pathogenic.

Counsyl
Classification: Likely pathogenic for Charlevoix-Saguenay spastic ataxia. Last evaluated: 2016-03-10. Review status: no assertion criteria provided. Collection method: clinical testing. Allele origin: unknown. Not counted in ClinVar's aggregate classification.

Literature cited by the submitters: PubMed 19892370 (cited by Labcorp Genetics (formerly Invitae), Labcorp); PubMed 21745802 (cited by Labcorp Genetics (formerly Invitae), Labcorp).